The following is an entry in ClinVar:

ClinVar aggregate classification (germline): Uncertain significance. Review status: criteria provided, multiple submitters, no conflicts (2 of 4 stars). 2 submissions from 2 submitters: Uncertain significance (2). Last evaluated 2025-08-12.

Conditions:
Inborn genetic diseases. Identifiers: MedGen C0950123, MeSH D030342.

Allele frequency attached by ClinVar (database versions not stated): gnomAD exomes 0.00001; TOPMed 0.00001.

Submissions (2):

Labcorp Genetics (formerly Invitae), Labcorp
Classification: Uncertain significance. Last evaluated: 2025-08-12. Review status: criteria provided, single submitter. Criteria: Invitae Variant Classification Sherloc (09022015). Collection method: clinical testing. Allele origin: germline.
Comment: This sequence change replaces arginine, which is basic and polar, with histidine, which is basic and polar, at codon 316 of the RARS protein (p.Arg316His). This variant is not present in population databases (gnomAD no frequency). This variant has not been reported in the literature in individuals affected with RARS-related conditions. ClinVar contains an entry for this variant (Variation ID: 2550176). Invitae Evidence Modeling of protein sequence and biophysical properties (such as structural, functional, and spatial information, amino acid conservation, physicochemical variation, residue mobility, and thermodynamic stability) indicates that this missense variant is expected to disrupt RARS protein function with a positive predictive value of 80%. In summary, the available evidence is currently insufficient to determine the role of this variant in disease. Therefore, it has been classified as a Variant of Uncertain Significance.

Ambry Genetics
Classification: Uncertain significance for Inborn genetic diseases. Last evaluated: 2023-05-23. Review status: criteria provided, single submitter. Criteria: Ambry Variant Classification Scheme 2023. Collection method: clinical testing. Allele origin: germline.

NM_002887.4(RARS1):c.947G>A (p.Arg316His)

Gene: RARS1 (arginyl-tRNA synthetase 1; plus strand). Cytogenetic location: 5q34.
Variant type: single nucleotide variant.
Coding change: c.947G>A on transcript NM_002887.4 (MANE Select); coding-DNA position 947, G replaced by A.
Protein change: p.Arg316His; replaces arginine 316 with histidine.
Molecular consequence: missense variant.
Genome position (GRCh38, 1-based): chr5:168,500,715, G>A. VCF-style: chr5-168500715-G-A. GRCh37 (hg19) VCF-style: chr5-167927720-G-A.
Other names: short protein forms R316H.
Identifiers: ClinVar variation 2550176 (VCV002550176.3), dbSNP rs1758302298, ClinGen allele CA362081113.